The following is an entry in ClinVar:

ClinVar aggregate classification (germline): Uncertain significance (1 of 4 stars; one submission).

Allele frequency attached by ClinVar (database versions not stated): ExAC 0.00001; gnomAD 0.00001.

Submission:

CeGaT Center for Human Genetics Tuebingen
Classification: Uncertain significance. Last evaluated: 2024-02-01. Review status: criteria provided, single submitter. Criteria: CeGaT Center For Human Genetics Tuebingen Variant Classification Criteria Version 2. Collection method: clinical testing. Allele origin: germline. Affected: yes. Observed: 1 variant allele.
Comment: SMS: PM2

NM_004595.5(SMS):c.977C>T (p.Ser326Leu)

Gene: SMS (spermine synthase; plus strand). Cytogenetic location: Xp22.11.
Variant type: single nucleotide variant.
Coding change: c.977C>T on transcript NM_004595.5 (MANE Select); coding-DNA position 977, C replaced by T.
Protein change: p.Ser326Leu; replaces serine 326 with leucine.
Molecular consequence: missense variant.
Genome position (GRCh38, 1-based): chrX:21,992,628, C>T. VCF-style: chrX-21992628-C-T. GRCh37 (hg19) VCF-style: chrX-22010746-C-T.
Other names: c.818C>T, p.Ser273Leu (NM_001258423.2); short protein forms S273L, S326L.
Identifiers: ClinVar variation 3024714 (VCV003024714.22), dbSNP rs753505984, ClinGen allele CA10367900.